The following is an entry in ClinVar:

ClinVar aggregate classification (germline): Uncertain significance (1 of 4 stars; one submission).

Submission:

Labcorp Genetics (formerly Invitae), Labcorp
Classification: Uncertain significance. Last evaluated: 2025-06-12. Review status: criteria provided, single submitter. Criteria: Invitae Variant Classification Sherloc (09022015). Collection method: clinical testing. Allele origin: germline.
Comment: This sequence change affects codon 207 of the FOXC2 mRNA. It is a 'silent' change, meaning that it does not change the encoded amino acid sequence of the FOXC2 protein. This variant is present in population databases (rs754888314, gnomAD 0.02%). This variant has not been reported in the literature in individuals affected with FOXC2-related conditions. ClinVar contains an entry for this variant (Variation ID: 3712847). In summary, the available evidence is currently insufficient to determine the role of this variant in disease. Therefore, it has been classified as a Variant of Uncertain Significance.

NM_005251.3(FOXC2):c.621C>G (p.Ala207=)

Gene: FOXC2 (forkhead box C2; plus strand). Cytogenetic location: 16q24.1.
Variant type: single nucleotide variant.
Coding change: c.621C>G on transcript NM_005251.3 (MANE Select); coding-DNA position 621, C replaced by G.
Protein change: p.Ala207=; no amino-acid change (alanine 207 retained).
Molecular consequence: synonymous variant.
Genome position (GRCh38, 1-based): chr16:86,567,956, C>G. VCF-style: chr16-86567956-C-G. GRCh37 (hg19) VCF-style: chr16-86601562-C-G.
Identifiers: ClinVar variation 3712847 (VCV003712847.2).